The following is an entry in ClinVar:

NM_152416.4(NDUFAF6):c.128G>A (p.Gly43Glu)

Genes: NDUFAF6 (NADH:ubiquinone oxidoreductase complex assembly factor 6; plus strand), LOC113788297 (Sharpr-MPRA regulatory region 2014; plus strand). Cytogenetic location: 8q22.1.
Variant type: single nucleotide variant.
Coding change: c.128G>A on transcript NM_152416.4 (MANE Select); coding-DNA position 128, G replaced by A.
Protein change: p.Gly43Glu; replaces glycine 43 with glutamic acid.
Molecular consequence: missense variant. On other transcripts: 5 prime UTR variant (12), non-coding transcript variant (6), intron variant (7).
Genome position (GRCh38, 1-based): chr8:95,025,136, G>A. VCF-style: chr8-95025136-G-A. GRCh37 (hg19) VCF-style: chr8-96037364-G-A.
Other names: c.-153G>A (NM_001330582.2, NM_001354521.2); c.-106G>A (NM_001354517.2); c.-325G>A (NM_001354518.2); c.-321G>A (NM_001354519.2); c.-670G>A (NM_001354527.2); c.-641G>A (NM_001354528.2); c.-453G>A (NM_001354529.2); c.-555G>A (NM_001354530.2); and 8 more; short protein forms G43E.
Identifiers: ClinVar variation 1063770 (VCV001063770.7), dbSNP rs983681408, ClinGen allele CA181467216.

ClinVar aggregate classification (germline): Uncertain significance (1 of 4 stars; one submission).

Allele frequency attached by ClinVar (database versions not stated): gnomAD 0.00001; TOPMed 0.00002.

Submission:

Labcorp Genetics (formerly Invitae), Labcorp
Classification: Uncertain significance. Last evaluated: 2022-09-01. Review status: criteria provided, single submitter. Criteria: Invitae Variant Classification Sherloc (09022015). Collection method: clinical testing. Allele origin: germline.
Comment: This variant has not been reported in the literature in individuals affected with NDUFAF6-related conditions. In summary, the available evidence is currently insufficient to determine the role of this variant in disease. Therefore, it has been classified as a Variant of Uncertain Significance. Algorithms developed to predict the effect of missense changes on protein structure and function (SIFT, PolyPhen-2, Align-GVGD) all suggest that this variant is likely to be tolerated. ClinVar contains an entry for this variant (Variation ID: 1063770). This variant is not present in population databases (gnomAD no frequency). This sequence change replaces glycine, which is neutral and non-polar, with glutamic acid, which is acidic and polar, at codon 43 of the NDUFAF6 protein (p.Gly43Glu).